The following is an entry in ClinVar:

NM_172107.4(KCNQ2):c.1698_1706del (p.Asp566_Ile568del)

Gene: KCNQ2 (potassium voltage-gated channel subfamily Q member 2; minus strand). Cytogenetic location: 20q13.33.
Variant type: Deletion.
Coding change: c.1698_1706del on transcript NM_172107.4 (MANE Select); coding-DNA positions 1698 to 1706, 9 bases deleted (CGTCATCGA; older notation c.1698_1706delCGTCATCGA).
Protein change: p.Asp566_Ile568del.
Genome position (GRCh38, 1-based): chr20:63,413,507-63,413,515, TCGATGACG deleted on the plus strand (CGTCATCGA on the coding strand, the reverse complement: KCNQ2 is on the minus strand); deleting any 9 consecutive bases within chr20:63,413,507-63,413,517 gives the same sequence; the c. name uses the placement nearest the transcript's 3' end. VCF-style (leftmost placement, unchanged base first): chr20-63413506-CTCGATGACG-C. GRCh37 (hg19) VCF-style: chr20-62044859-CTCGATGACG-C.
Other names: c.1644_1652del, p.Asp548_Ile550del (NM_001382235.1, NM_172106.3); c.1614_1622del, p.Asp538_Ile540del (NM_004518.6); c.1605_1613del, p.Asp535_Ile537del (NM_172108.5).
Identifiers: ClinVar variation 3719852 (VCV003719852.2).

ClinVar aggregate classification (germline): Uncertain significance (1 of 4 stars; one submission).

Conditions:
Early-infantile DEE. Also called: Ohtahara syndrome; Early infantile epileptic encephalopathy with suppression bursts; Early infantile epileptic encephalopathy. Identifiers: Orphanet 1934, MedGen C0393706, MONDO:0800491.

Submission:

Labcorp Genetics (formerly Invitae), Labcorp
Classification: Uncertain significance for Early-infantile DEE. Last evaluated: 2024-09-19. Review status: criteria provided, single submitter. Criteria: Invitae Variant Classification Sherloc (09022015). Collection method: clinical testing. Allele origin: germline.
Comment: This variant, c.1698_1706del, results in the deletion of 3 amino acid(s) of the KCNQ2 protein (p.Asp566_Ile568del), but otherwise preserves the integrity of the reading frame. This variant is not present in population databases (gnomAD no frequency). This variant has not been reported in the literature in individuals affected with KCNQ2-related conditions. Experimental studies and prediction algorithms are not available or were not evaluated, and the functional significance of this variant is currently unknown. In summary, the available evidence is currently insufficient to determine the role of this variant in disease. Therefore, it has been classified as a Variant of Uncertain Significance.